The following is an entry in ClinVar:

ClinVar aggregate classification (germline): Uncertain significance. Review status: criteria provided, multiple submitters, no conflicts (2 of 4 stars). 3 submissions from 3 submitters: Uncertain significance (3). Last evaluated 2026-04-28.

Conditions:
GPBAR1-related disorder. Also called: GPBAR1-related condition.

Allele frequency attached by ClinVar (database versions not stated): ExAC 0.00001; gnomAD 0.00001; gnomAD exomes 0.00001; TOPMed 0.00002; 1000 Genomes Project 30x 0.00016; 1000 Genomes Project 0.00020.
gnomAD v4.1: 13 of 1,612,820 alleles (0.00081%); highest among the groups gnomAD compares: Middle Eastern, 0.016%; no homozygotes.

Submissions (3):

PreventionGenetics, part of Exact Sciences
Classification: Uncertain significance for GPBAR1-related condition. Last evaluated: 2026-04-28. Review status: criteria provided, single submitter. Criteria: ACMG Guidelines, 2015. Collection method: clinical testing. Allele origin: germline.
Comment: The GPBAR1 c.873G>C variant is predicted to result in the amino acid substitution p.Trp291Cys. To our knowledge, this variant has not been reported in the literature. This variant is reported in 0.0069% of alleles in individuals of African descent in gnomAD. At this time, the clinical significance of this variant is uncertain due to the absence of conclusive functional and genetic evidence.

Ambry Genetics
Classification: Uncertain significance. Last evaluated: 2025-08-09. Review status: criteria provided, single submitter. Criteria: Ambry Variant Classification Scheme 2023. Collection method: clinical testing. Allele origin: germline.

Eurofins Ntd Llc (ga)
Classification: Uncertain significance. Last evaluated: 2018-06-07. Review status: criteria provided, single submitter. Criteria: EGL ClinVar v180209 classification definitions. Collection method: clinical testing. Allele origin: germline. Observed: 1 variant allele, 1 heterozygote.

NM_170699.3(GPBAR1):c.873G>C (p.Trp291Cys)

Gene: GPBAR1 (G protein-coupled bile acid receptor 1; plus strand). Cytogenetic location: 2q35.
Variant type: single nucleotide variant.
Coding change: c.873G>C on transcript NM_170699.3 (MANE Select); coding-DNA position 873, G replaced by C.
Protein change: p.Trp291Cys; replaces tryptophan 291 with cysteine.
Molecular consequence: missense variant.
Genome position (GRCh38, 1-based): chr2:218,263,597, G>C. VCF-style: chr2-218263597-G-C. GRCh37 (hg19) VCF-style: chr2-219128320-G-C.
Other names: c.873G>C, p.Trp291Cys (NM_001077191.2, NM_001077194.2, NM_001321950.2); c.873G>C (NM_001321950.1, NM_001077191.1); short protein forms W291C.
Identifiers: ClinVar variation 597491 (VCV000597491.10), dbSNP rs190689957, ClinGen allele CA2102715.
Genomic context (GRCh38, chr2:218,263,597, plus strand): 5'-CAGTGCAGCGGCAGTGCCCGTAGCCATGGGGCTGGGCGATCAGCGCTACACAGCCCCCTG[G>C]AGGGCAGCCGCCCAAAGGTGCCTGCAGGGGCTGTGGGGAAGAGCCTCCCGGGACAGTCCC-3'
Protein context (NP_733800.1, residues 281-301): GLGDQRYTAP[Trp291Cys]RAAAQRCLQG